The following is an entry in ClinVar:

NM_018979.4(WNK1):c.4019T>C (p.Leu1340Ser)

Gene: WNK1 (WNK lysine deficient protein kinase 1; plus strand). Cytogenetic location: 12p13.33.
Variant type: single nucleotide variant.
Coding change: c.4019T>C on transcript NM_018979.4 (MANE Select); coding-DNA position 4019, T replaced by C.
Protein change: p.Leu1340Ser; replaces leucine 1340 with serine.
Molecular consequence: missense variant.
Genome position (GRCh38, 1-based): chr12:884,823, T>C. VCF-style: chr12-884823-T-C. GRCh37 (hg19) VCF-style: chr12-993989-T-C.
Other names: c.4799T>C, p.Leu1600Ser (NM_001184985.2); c.3278T>C, p.Leu1093Ser (NM_014823.3); c.4775T>C, p.Leu1592Ser (NM_213655.5); short protein forms L1093S, L1340S, L1600S, L1592S.
Identifiers: ClinVar variation 2946195 (VCV002946195.3), dbSNP rs1953507656, ClinGen allele CA383330396.

ClinVar aggregate classification (germline): Uncertain significance (1 of 4 stars; one submission).

Conditions:
Neuropathy, hereditary sensory and autonomic, type 2A (HSAN2A). Also called: ACROOSTEOLYSIS, GIACCAI TYPE; ACROOSTEOLYSIS, NEUROGENIC; MORVAN DISEASE; NEUROPATHY, CONGENITAL SENSORY; NEUROPATHY, HEREDITARY SENSORY RADICULAR, AUTOSOMAL RECESSIVE; NEUROPATHY, HEREDITARY SENSORY, TYPE IIA. Identifiers: Orphanet 970, MedGen C2752089, MONDO:0024309, OMIM 201300.
Pseudohypoaldosteronism type 2C (PHA2C). Also called: Pseudohypoaldosteronism Type IIC. Identifiers: Orphanet 757, Orphanet 88940, MedGen C1840391, MONDO:0013778, OMIM 614492.

Allele frequency attached by ClinVar (database versions not stated): TOPMed below 0.00001.

Submission:

Labcorp Genetics (formerly Invitae), Labcorp
Classification: Uncertain significance for Neuropathy, hereditary sensory and autonomic, type 2A; Pseudohypoaldosteronism type 2C. Last evaluated: 2023-10-03. Review status: criteria provided, single submitter. Criteria: Invitae Variant Classification Sherloc (09022015). Collection method: clinical testing. Allele origin: germline.
Comment: This sequence change replaces leucine, which is neutral and non-polar, with serine, which is neutral and polar, at codon 1592 of the WNK1 protein (p.Leu1592Ser). This variant is not present in population databases (gnomAD no frequency). This variant has not been reported in the literature in individuals affected with WNK1-related conditions. Advanced modeling of protein sequence and biophysical properties (such as structural, functional, and spatial information, amino acid conservation, physicochemical variation, residue mobility, and thermodynamic stability) performed at Invitae indicates that this missense variant is not expected to disrupt WNK1 protein function. In summary, the available evidence is currently insufficient to determine the role of this variant in disease. Therefore, it has been classified as a Variant of Uncertain Significance.